The following is an entry in ClinVar:

ClinVar aggregate classification (germline): Uncertain significance (1 of 4 stars; one submission).

Conditions:
Warts, hypogammaglobulinemia, infections, and myelokathexis. Also called: WHIM syndrome. Identifiers: MedGen C0472817, MONDO:0023880.

Submission:

Labcorp Genetics (formerly Invitae), Labcorp
Classification: Uncertain significance for Warts, hypogammaglobulinemia, infections, and myelokathexis. Last evaluated: 2020-02-05. Review status: criteria provided, single submitter. Criteria: Invitae Variant Classification Sherloc (09022015). Collection method: clinical testing. Allele origin: germline.
Comment: This sequence change replaces histidine with proline at codon 113 of the CXCR4 protein (p.His113Pro). The histidine residue is highly conserved and there is a moderate physicochemical difference between histidine and proline. This variant is not present in population databases (ExAC no frequency). This variant has not been reported in the literature in individuals with CXCR4-related conditions. Algorithms developed to predict the effect of missense changes on protein structure and function are either unavailable or do not agree on the potential impact of this missense change (SIFT: "Deleterious"; PolyPhen-2: "Probably Damaging"; Align-GVGD: "Class C0"). In summary, the available evidence is currently insufficient to determine the role of this variant in disease. Therefore, it has been classified as a Variant of Uncertain Significance.

NM_003467.3(CXCR4):c.338A>C (p.His113Pro)

Gene: CXCR4 (C-X-C motif chemokine receptor 4; minus strand). Cytogenetic location: 2q22.1.
Variant type: single nucleotide variant.
Coding change: c.338A>C on transcript NM_003467.3 (MANE Select); coding-DNA position 338, A replaced by C.
Protein change: p.His113Pro; replaces histidine 113 with proline.
Molecular consequence: missense variant.
Genome position (GRCh38, 1-based): chr2:136,115,590, T>G on the plus strand (A>C on the coding strand, the complement: CXCR4 is on the minus strand). VCF-style: chr2-136115590-T-G. GRCh37 (hg19) VCF-style: chr2-136873160-T-G.
Other names: c.350A>C, p.His117Pro (NM_001008540.2); c.551A>C, p.His184Pro (NM_001348056.2); c.437A>C, p.His146Pro (NM_001348059.2); c.293A>C, p.His98Pro (NM_001348060.2); short protein forms H113P, H117P, H146P, H184P, H98P.
Identifiers: ClinVar variation 1021376 (VCV001021376.11), dbSNP rs1684862940, ClinGen allele CA348659604.